The following is an entry in ClinVar:

NM_000059.4(BRCA2):c.7594_7595insTT (p.Pro2532fs)

Gene: BRCA2 (BRCA2 DNA repair associated; plus strand). Cytogenetic location: 13q13.1.
Variant type: Insertion.
Coding change: c.7594_7595insTT on transcript NM_000059.4 (MANE Select); coding-DNA positions 7594 to 7595, TT inserted.
Protein change: p.Pro2532fs; shifts the reading frame from proline 2532.
Molecular consequence: frameshift variant.
Genome position: GRCh38 VCF-style: chr13-32356586-C-CTT. GRCh37 (hg19) VCF-style: chr13-32930723-C-CTT.
Other names: short protein forms P2532fs.
Identifiers: ClinVar variation 548334 (VCV000548334.1), dbSNP rs1555286301, ClinGen allele CA658823748.

ClinVar aggregate classification (germline): Pathogenic (3 of 4 stars; one submission).

Conditions:
Breast-ovarian cancer, familial, susceptibility to, 2 (BROVCA2). Also called: BRCA2 Hereditary Breast and Ovarian Cancer. Identifiers: Orphanet 145, MedGen C2675520, MONDO:0012933, OMIM 612555. Disease mechanism: loss of function.

Submission:

Evidence-based Network for the Interpretation of Germline Mutant Alleles (ENIGMA)
Classification: Pathogenic for Breast-ovarian cancer, familial, susceptibility to, 2. Last evaluated: 2017-12-15. Review status: reviewed by expert panel. Criteria: ENIGMA BRCA1/2 Classification Criteria (2017-06-29). Collection method: curation. Allele origin: germline. Study: ENIGMA.
Comment: Variant allele predicted to encode a truncated non-functional protein.